The following is an entry in ClinVar:

NM_000059.4(BRCA2):c.7090G>T (p.Glu2364Ter)

Gene: BRCA2 (BRCA2 DNA repair associated; plus strand). Cytogenetic location: 13q13.1.
Variant type: single nucleotide variant.
Coding change: c.7090G>T on transcript NM_000059.4 (MANE Select); coding-DNA position 7090, G replaced by T.
Protein change: p.Glu2364Ter; replaces glutamic acid 2364 with a stop codon.
Molecular consequence: nonsense.
Genome position (GRCh38, 1-based): chr13:32,354,943, G>T. VCF-style: chr13-32354943-G-T. GRCh37 (hg19) VCF-style: chr13-32929080-G-T.
Other names: 7318G>T (E2364X); short protein forms E2364*.
Identifiers: ClinVar variation 266984 (VCV000266984.6), dbSNP rs80358940, ClinGen allele CA10589411.

ClinVar aggregate classification (germline): Pathogenic. Review status: reviewed by expert panel (3 of 4 stars). 3 submissions from 3 submitters: Pathogenic (1). 2 of the submissions do not count toward it. Last evaluated 2016-10-18.

Conditions:
Breast-ovarian cancer, familial, susceptibility to, 2 (BROVCA2). Also called: BRCA2 Hereditary Breast and Ovarian Cancer. Identifiers: Orphanet 145, MedGen C2675520, MONDO:0012933, OMIM 612555. Disease mechanism: loss of function.
Hereditary cancer-predisposing syndrome. Also called: Hereditary neoplastic syndrome; Neoplastic Syndromes, Hereditary; Tumor predisposition; Hereditary Cancer Syndrome. Identifiers: Orphanet 140162, MedGen C0027672, MeSH D009386, MONDO:0015356.

Submissions (3):

Evidence-based Network for the Interpretation of Germline Mutant Alleles (ENIGMA)
Classification: Pathogenic for Breast-ovarian cancer, familial, susceptibility to, 2. Last evaluated: 2016-10-18. Review status: reviewed by expert panel. Criteria: ENIGMA BRCA1/2 Classification Criteria (2015). Collection method: curation. Allele origin: germline.
Comment: Variant allele predicted to encode a truncated non-functional protein.

All of Us Research Program, National Institutes of Health
Classification: Pathogenic for Breast-ovarian cancer, familial, susceptibility to, 2. Last evaluated: 2023-10-02. Review status: criteria provided, single submitter. Criteria: ACMG Guidelines, 2015. Collection method: clinical testing. Allele origin: germline. Inheritance: Autosomal dominant inheritance. Observed: 1 variant allele, 1 heterozygote. Not counted in ClinVar's aggregate classification.
Comment: This variant changes 1 nucleotide in exon 14 of the BRCA2 gene, creating a premature translation stop signal. This variant is expected to result in an absent or non-functional protein product. To our knowledge, this variant has not been reported as a germline mutation in individuals affected with BRCA2-related disorders in the literature. This variant has not been identified in the general population by the Genome Aggregation Database (gnomAD). Loss of BRCA2 function is a known mechanism of disease. Based on the available evidence, this variant is classified as Pathogenic.

This study involves interpretation of variants in research participants for the purpose of population health screening. Participant phenotype was not available at the time of variant classification. Additional details can be found in publication PMID: 35346344, PMCID: PMC8962531

Ambry Genetics
Classification: Pathogenic for Hereditary cancer-predisposing syndrome. Last evaluated: 2019-07-01. Review status: criteria provided, single submitter. Criteria: Ambry Variant Classification Scheme 2023. Collection method: clinical testing. Allele origin: germline. Not counted in ClinVar's aggregate classification.
Comment: The p.E2364* pathogenic mutation (also known as c.7090G>T), located in coding exon 13 of the BRCA2 gene, results from a G to T substitution at nucleotide position 7090. This changes the amino acid from a glutamic acid to a stop codon within coding exon 13. This alteration is expected to result in loss of function by premature protein truncation or nonsense-mediated mRNA decay. As such, this alteration is interpreted as a disease-causing mutation.